The following is an entry in ClinVar:

ClinVar aggregate classification (germline): Uncertain significance (1 of 4 stars; one submission).

Conditions:
Multiple acyl-CoA dehydrogenase deficiency (MADD). Also called: Glutaric aciduria, type 2; Glutaric acidemia type II; GA 2; ETHYLMALONIC-ADIPICACIDURIA; GA II; Glutaric Acidemia type 2. Identifiers: Orphanet 26791, MedGen C0268596, MONDO:0009282, OMIM 231680.

Submission:

Labcorp Genetics (formerly Invitae), Labcorp
Classification: Uncertain significance for Multiple acyl-CoA dehydrogenase deficiency. Last evaluated: 2020-07-07. Review status: criteria provided, single submitter. Criteria: Invitae Variant Classification Sherloc (09022015). Collection method: clinical testing. Allele origin: germline.
Comment: In summary, the available evidence is currently insufficient to determine the role of this variant in disease. Therefore, it has been classified as a Variant of Uncertain Significance. Algorithms developed to predict the effect of missense changes on protein structure and function are either unavailable or do not agree on the potential impact of this missense change (SIFT: "Deleterious"; PolyPhen-2: "Probably Damaging"; Align-GVGD: "Class C15"). This variant has not been reported in the literature in individuals with ETFA-related conditions. This variant is not present in population databases (ExAC no frequency). This sequence change replaces aspartic acid with tyrosine at codon 236 of the ETFA protein (p.Asp236Tyr). The aspartic acid residue is highly conserved and there is a large physicochemical difference between aspartic acid and tyrosine.

NM_000126.4(ETFA):c.706G>T (p.Asp236Tyr)

Gene: ETFA (electron transfer flavoprotein subunit alpha; minus strand). Cytogenetic location: 15q24.2.
Variant type: single nucleotide variant.
Coding change: c.706G>T on transcript NM_000126.4 (MANE Select); coding-DNA position 706, G replaced by T.
Protein change: p.Asp236Tyr; replaces aspartic acid 236 with tyrosine.
Molecular consequence: missense variant.
Genome position (GRCh38, 1-based): chr15:76,283,784, C>A on the plus strand (G>T on the coding strand, the complement: ETFA is on the minus strand). VCF-style: chr15-76283784-C-A. GRCh37 (hg19) VCF-style: chr15-76576125-C-A.
Other names: c.559G>T, p.Asp187Tyr (NM_001127716.2); short protein forms D187Y, D236Y.
Identifiers: ClinVar variation 1056749 (VCV001056749.9), dbSNP rs2141528171, ClinGen allele CA393512527.